The following is an entry in ClinVar:

ClinVar aggregate classification (germline): Uncertain significance (1 of 4 stars; one submission).

Submission:

GeneDx
Classification: Uncertain significance. Last evaluated: 2024-11-22. Review status: criteria provided, single submitter. Criteria: GeneDx Variant Classification Process June 2021. Collection method: clinical testing. Allele origin: germline. Affected: yes.
Comment: Not observed at significant frequency in large population cohorts (gnomAD); In silico analysis supports that this missense variant has a deleterious effect on protein structure/function; Has not been previously published as pathogenic or benign to our knowledge

NM_000159.4(GCDH):c.433T>G (p.Ser145Ala)

Gene: GCDH (glutaryl-CoA dehydrogenase; plus strand). Cytogenetic location: 19p13.13.
Variant type: single nucleotide variant.
Coding change: c.433T>G on transcript NM_000159.4 (MANE Select); coding-DNA position 433, T replaced by G.
Protein change: p.Ser145Ala; replaces serine 145 with alanine.
Molecular consequence: missense variant. On other transcripts: non-coding transcript variant (2).
Genome position (GRCh38, 1-based): chr19:12,893,581, T>G. VCF-style: chr19-12893581-T-G. GRCh37 (hg19) VCF-style: chr19-13004395-T-G.
Other names: c.433T>G, p.Ser145Ala (NM_013976.5); short protein forms S145A.
Identifiers: ClinVar variation 3900289 (VCV003900289.1).